The following is an entry in ClinVar:

NM_001366110.1(PAX4):c.762C>T (p.Ile254=)

Gene: PAX4 (paired box 4; minus strand). Cytogenetic location: 7q32.1.
Variant type: single nucleotide variant.
Coding change: c.762C>T on transcript NM_001366110.1 (MANE Select); coding-DNA position 762, C replaced by T.
Protein change: p.Ile254=; no amino-acid change (isoleucine 254 retained).
Molecular consequence: synonymous variant.
Genome position (GRCh38, 1-based): chr7:127,611,954, G>A on the plus strand (C>T on the coding strand, the complement: PAX4 is on the minus strand). VCF-style: chr7-127611954-G-A. GRCh37 (hg19) VCF-style: chr7-127252008-G-A.
Other names: NM_006193.2:c.738C>T; c.762C>T, p.Ile254= (NM_001366111.1).
Identifiers: ClinVar variation 1336936 (VCV001336936.16), dbSNP rs147670794, ClinGen allele CA4467948.

ClinVar aggregate classification (germline): Likely benign. Review status: criteria provided, multiple submitters, no conflicts (2 of 4 stars). 5 submissions from 5 submitters: Likely benign (4). 1 of the submissions does not count toward it. Last evaluated 2026-01-19.

Conditions:
PAX4-related disorder. Also called: PAX4-related condition.
Type 2 diabetes mellitus. Also called: Type II diabetes mellitus. Identifiers: MedGen C0011860, MeSH D003924, MONDO:0005148, OMIM 125853, HP:0005978.
Diabetes mellitus, ketosis-prone (KPD). Identifiers: MedGen C3837958, MONDO:0100180, OMIM 612227.
Maturity-onset diabetes of the young type 9 (MODY9). Identifiers: Orphanet 552, MedGen C2677132, MONDO:0012818, OMIM 612225.

Allele frequency attached by ClinVar (database versions not stated): ExAC 0.00024; gnomAD 0.00024; gnomAD exomes 0.00025 and 0.00027; TOPMed 0.00026; ESP Exome Variant Server 0.00038.
gnomAD v4.1: 429 of 1,614,044 alleles (0.027%); highest among the groups gnomAD compares: Non-Finnish European, 0.034%; 1 homozygote.

Submissions (5):

Labcorp Genetics (formerly Invitae), Labcorp
Classification: Likely benign. Last evaluated: 2026-01-19. Review status: criteria provided, single submitter. Criteria: Invitae Variant Classification Sherloc (09022015). Collection method: clinical testing. Allele origin: germline.

Blueprint Genetics
Classification: Likely benign. Last evaluated: 2024-11-12. Review status: criteria provided, single submitter. Criteria: ACMG Guidelines, 2015. Collection method: clinical testing. Allele origin: germline.

Fulgent Genetics
Classification: Likely benign for Type 2 diabetes mellitus; Maturity-onset diabetes of the young type 9; Diabetes mellitus, ketosis-prone. Last evaluated: 2021-10-20. Review status: criteria provided, single submitter. Criteria: ACMG Guidelines, 2015. Collection method: clinical testing. Allele origin: unknown.

Genetic Services Laboratory, University of Chicago
Classification: Likely benign. Last evaluated: 2020-07-13. Review status: criteria provided, single submitter. Criteria: ACMG Guidelines, 2015. Collection method: clinical testing. Allele origin: germline. Affected: no.

PreventionGenetics, part of Exact Sciences
Classification: Likely benign for PAX4-related condition. Last evaluated: 2019-05-06. Review status: no assertion criteria provided. Collection method: clinical testing. Allele origin: germline. Not counted in ClinVar's aggregate classification.
Comment: This variant is classified as likely benign based on ACMG/AMP sequence variant interpretation guidelines (Richards et al. 2015 PMID: 25741868, with internal and published modifications).